The following is an entry in ClinVar:

NM_004656.4(BAP1):c.576C>A (p.Asp192Glu)

Gene: BAP1 (BRCA1 associated deubiquitinase 1; minus strand). Cytogenetic location: 3p21.1.
Variant type: single nucleotide variant.
Coding change: c.576C>A on transcript NM_004656.4 (MANE Select); coding-DNA position 576, C replaced by A.
Protein change: p.Asp192Glu; replaces aspartic acid 192 with glutamic acid.
Molecular consequence: missense variant.
Genome position (GRCh38, 1-based): chr3:52,407,178, G>T on the plus strand (C>A on the coding strand, the complement: BAP1 is on the minus strand). VCF-style: chr3-52407178-G-T. GRCh37 (hg19) VCF-style: chr3-52441194-G-T.
Other names: c.576C>A, p.Asp192Glu (NM_001410772.1); short protein forms D192E.
Identifiers: ClinVar variation 5032725 (VCV005032725.1).

ClinVar aggregate classification (germline): Uncertain significance (1 of 4 stars; one submission).

Conditions:
Hereditary cancer-predisposing syndrome. Also called: Neoplastic Syndromes, Hereditary; Tumor predisposition; Hereditary neoplastic syndrome; Hereditary Cancer Syndrome. Identifiers: Orphanet 140162, MedGen C0027672, MeSH D009386, MONDO:0015356.

Submission:

Ambry Genetics
Classification: Uncertain significance for Hereditary cancer-predisposing syndrome. Last evaluated: 2026-07-06. Review status: criteria provided, single submitter. Criteria: Ambry Variant Classification Scheme 2023. Collection method: clinical testing. Allele origin: germline.
Comment: The p.D192E variant (also known as c.576C>A), located in coding exon 7 of the BAP1 gene, results from a C to A substitution at nucleotide position 576. The aspartic acid at codon 192 is replaced by glutamic acid, an amino acid with highly similar properties. This amino acid position is conserved. In addition, the in silico prediction for this alteration is inconclusive. Based on the available evidence, the clinical significance of this variant remains unclear.